The following is an entry in ClinVar:

NM_000169.2:c.744_745insAlu

Gene: GLA (galactosidase alpha; minus strand). Cytogenetic location: Xq22.1.
Variant type: Insertion.
Identifiers: ClinVar variation 870278 (VCV000870278.1).

ClinVar aggregate classification (germline): Pathogenic (1 of 4 stars; one submission).

Conditions:
Fabry disease. Also called: ALPHA-GALACTOSIDASE A DEFICIENCY; ANDERSON-FABRY DISEASE; CERAMIDE TRIHEXOSIDASE DEFICIENCY; GLA DEFICIENCY; HEREDITARY DYSTOPIC LIPIDOSIS; Fabry's disease. Identifiers: Orphanet 324, MedGen C0002986, MONDO:0010526, OMIM 301500, HP:0001071. Disease mechanism: Fabry disease is due to inactivating mutations in the X-linked GLA gene resulting in deficiency of the enzyme Alpha Galactosidase-A., loss of function.

Submission:

Labcorp Genetics (formerly Invitae), Labcorp
Classification: Pathogenic for Fabry disease. Last evaluated: 2019-09-03. Review status: criteria provided, single submitter. Criteria: Invitae Variant Classification Sherloc (09022015). Collection method: clinical testing. Allele origin: germline.
Comment: This sequence change is an Alu-mediated insertion in exon 5 of the GLA mRNA (c.744_745insAlu), causing a frameshift at codon 249 (p.Asn249fs). The exact size and sequence of the insertion cannot be determined by the current assay. However, the insertion is expected to result in an absent or disrupted protein product. Retrotransposon insertions including LINE1 (L1), Alu, and SVA (SINE-VNTR-Alu) have been reported to be disease-causing through disruption of either a coding region or splice site (PMID: 19763152, 20307669, 22406018). Although this variant has not been reported in the literature, loss-of-function variants in GLA are known to be pathogenic (PMID: 10666480, 12175777). For these reasons, this variant has been classified as Pathogenic.

Literature cited by the submitters: PubMed 10666480; PubMed 20307669; PubMed 22406018; PubMed 19763152; PubMed 12175777.